The following is an entry in ClinVar:

ClinVar aggregate classification (germline): Likely benign. Review status: criteria provided, multiple submitters, no conflicts (2 of 4 stars). 3 submissions from 3 submitters: Likely benign (2). 1 of the submissions does not count toward it. Last evaluated 2025-07-13.

Conditions:
Mucopolysaccharidosis, MPS-III-A (MPS3A). Also called: MUCOPOLYSACCHARIDOSIS, TYPE IIIA, ATTENUATED; Mucopolysaccharidosis, type IIIA; MPS III A; MPS IIIA (Sanfilippo Syndrome Type A); HEPARAN SULFATE SULFATASE DEFICIENCY; SANFILIPPO SYNDROME A. Identifiers: Orphanet 581, Orphanet 79269, MedGen C0086647, MONDO:0009655, OMIM 252900.
Mucopolysaccharidosis, MPS-II (MPS2). Also called: IDS deficiency; Sulfoiduronate sulfatase deficiency; SIDS deficiency; Attenuated MPS (subtype; formerly known as mild MPS II); Severe MPS II; I2S deficiency. Identifiers: Orphanet 580, Orphanet 79388, MedGen C0026705, MONDO:0010674, OMIM 309900.

Allele frequency attached by ClinVar (database versions not stated): TOPMed 0.00002; gnomAD 0.00004; ExAC 0.00009; ESP Exome Variant Server 0.00009; gnomAD exomes 0.00009 and 0.00012.
gnomAD v4.1: 134 of 1,209,461 alleles (0.011%); highest among the groups gnomAD compares: Non-Finnish European, 0.011%; 1 homozygote.

Submissions (3):

Labcorp Genetics (formerly Invitae), Labcorp
Classification: Likely benign for Mucopolysaccharidosis, MPS-II. Last evaluated: 2025-07-13. Review status: criteria provided, single submitter. Criteria: Invitae Variant Classification Sherloc (09022015). Collection method: clinical testing. Allele origin: germline.

CeGaT Center for Human Genetics Tuebingen
Classification: Likely benign. Last evaluated: 2025-03-01. Review status: criteria provided, single submitter. Criteria: CeGaT Center For Human Genetics Tuebingen Variant Classification Criteria Version 2. Collection method: clinical testing. Allele origin: germline. Affected: yes. Observed: 1 variant allele.
Comment: IDS: BS2

Natera, Inc.
Classification: Likely benign for Mucopolysaccharidosis type IIIA. Last evaluated: 2020-04-11. Review status: no assertion criteria provided. Collection method: clinical testing. Allele origin: germline. Not counted in ClinVar's aggregate classification.

NM_000202.8(IDS):c.760G>A (p.Glu254Lys)

Genes: IDS (iduronate 2-sulfatase; minus strand), LOC106050102 (IDS recombination region; plus strand). Cytogenetic location: Xq28.
Variant type: single nucleotide variant.
Coding change: c.760G>A on transcript NM_000202.8 (MANE Select); coding-DNA position 760, G replaced by A.
Protein change: p.Glu254Lys; replaces glutamic acid 254 with lysine.
Molecular consequence: missense variant. On other transcripts: non-coding transcript variant (1).
Genome position (GRCh38, 1-based): chrX:149,496,465, C>T on the plus strand (G>A on the coding strand, the complement: IDS is on the minus strand). VCF-style: chrX-149496465-C-T. GRCh37 (hg19) VCF-style: chrX-148577996-C-T.
Other names: c.490G>A, p.Glu164Lys (NM_001166550.4); c.760G>A, p.Glu254Lys (NM_006123.5); short protein forms E164K, E254K.
Identifiers: ClinVar variation 763032 (VCV000763032.18), dbSNP rs374066256, ClinGen allele CA10537602.